The following is an entry in ClinVar:

NM_001242896.3(DEPDC5):c.911G>A (p.Gly304Glu)

Gene: DEPDC5 (DEP domain containing 5, GATOR1 subcomplex subunit; plus strand). Cytogenetic location: 22q12.2.
Variant type: single nucleotide variant.
Coding change: c.911G>A on transcript NM_001242896.3 (MANE Select); coding-DNA position 911, G replaced by A.
Protein change: p.Gly304Glu; replaces glycine 304 with glutamic acid.
Molecular consequence: missense variant. On other transcripts: non-coding transcript variant (5).
Genome position (GRCh38, 1-based): chr22:31,798,621, G>A. VCF-style: chr22-31798621-G-A. GRCh37 (hg19) VCF-style: chr22-32194607-G-A.
Other names: c.911G>A, p.Gly304Glu (NM_001007188.4, NM_001136029.4, NM_001242897.2 and 7 more transcripts); c.827G>A, p.Gly276Glu (NM_001369901.1, NM_001369902.1); short protein forms G276E, G304E.
Identifiers: ClinVar variation 2701701 (VCV002701701.3), dbSNP rs2518768663, ClinGen allele CA411291685.
Genomic context (GRCh38, chr22:31,798,621, plus strand): 5'-CTCTTGCATATTTTGCTTCAGAGGGCTTTCCTCAAGGAGATAATTCTACCTCAGCACAAG[G>A]AAACTACCTGGAGGCCATCAATCTGTCATTCAATGGTGAGTAAGGATGCCGGCCATGAGC-3'
Protein context (NP_001229825.1, residues 294-314): PQGDNSTSAQ[Gly304Glu]NYLEAINLSF

ClinVar aggregate classification (germline): Uncertain significance (1 of 4 stars; one submission).

Conditions:
Familial focal epilepsy with variable foci (FPEVF). Identifiers: Orphanet 98820, MedGen C1858477, MONDO:0020310.

Submission:

Labcorp Genetics (formerly Invitae), Labcorp
Classification: Uncertain significance for Familial focal epilepsy with variable foci. Last evaluated: 2023-12-14. Review status: criteria provided, single submitter. Criteria: Invitae Variant Classification Sherloc (09022015). Collection method: clinical testing. Allele origin: germline.
Comment: This sequence change replaces glycine, which is neutral and non-polar, with glutamic acid, which is acidic and polar, at codon 304 of the DEPDC5 protein (p.Gly304Glu). This variant is not present in population databases (gnomAD no frequency). This variant has not been reported in the literature in individuals affected with DEPDC5-related conditions. Experimental studies and prediction algorithms are not available or were not evaluated, and the functional significance of this variant is currently unknown. In summary, the available evidence is currently insufficient to determine the role of this variant in disease. Therefore, it has been classified as a Variant of Uncertain Significance.